The following is an entry in ClinVar:

NM_020812.4(DOCK6):c.4282C>T (p.Gln1428Ter)

Genes: DOCK6-AS1 (DOCK6 antisense RNA 1; plus strand), DOCK6 (dedicator of cytokinesis 6; minus strand). Cytogenetic location: 19p13.2.
Variant type: single nucleotide variant.
Coding change: c.4282C>T on transcript NM_020812.4 (MANE Select); coding-DNA position 4282, C replaced by T.
Protein change: p.Gln1428Ter; replaces glutamine 1428 with a stop codon.
Molecular consequence: nonsense.
Genome position (GRCh38, 1-based): chr19:11,214,331, G>A on the plus strand (C>T on the coding strand, the complement: DOCK6 is on the minus strand). VCF-style: chr19-11214331-G-A. GRCh37 (hg19) VCF-style: chr19-11325007-G-A.
Other names: c.4387C>T, p.Gln1463Ter (NM_001367830.1); short protein forms Q1428*, Q1463*.
Identifiers: ClinVar variation 4845801 (VCV004845801.1).
Genomic context (GRCh38, chr19:11,214,331, plus strand): 5'-TCACCTTGGACACAAGGGCCCTCTGGGTGGCCAGGCCATGCTGCAAGAAGAGGGCACTCT[G>A]GGCACTGCCCAGGCTGTACAGCACAACCTTCAGCACTGCCCCCAAGACGCTCTCCCGGGC-3'

ClinVar aggregate classification (germline): Likely pathogenic (1 of 4 stars; one submission).

Conditions:
Adams-Oliver syndrome 2 (AOS2). Identifiers: Orphanet 974, MedGen C3280182, MONDO:0013635, OMIM 614219.

Submission:

First Genomix Gene Laboratory, Genetic Diagnostics Department
Classification: Likely pathogenic for Adams-Oliver syndrome 2. Last evaluated: 2025-03-25. Review status: criteria provided, single submitter. Criteria: ACMG Guidelines, 2015. Collection method: clinical testing. Allele origin: germline. Inheritance: Autosomal recessive inheritance. Affected: no. Observed: 1 variant allele.